The following is an entry in ClinVar:

NM_001283009.2(RTEL1):c.2911C>T (p.Leu971=)

Genes: RTEL1 (regulator of telomere elongation helicase 1; plus strand), RTEL1-TNFRSF6B (RTEL1-TNFRSF6B readthrough (NMD candidate); plus strand). Cytogenetic location: 20q13.33.
Variant type: single nucleotide variant.
Coding change: c.2911C>T on transcript NM_001283009.2 (MANE Select); coding-DNA position 2911, C replaced by T.
Protein change: p.Leu971=; no amino-acid change (leucine 971 retained).
Molecular consequence: synonymous variant. On other transcripts: non-coding transcript variant (1).
Genome position (GRCh38, 1-based): chr20:63,693,202, C>T. VCF-style: chr20-63693202-C-T. GRCh37 (hg19) VCF-style: chr20-62324555-C-T.
Other names: c.2983C>T (NM_032957.4); c.2242C>T, p.Leu748= (NM_001283010.1); c.2911C>T, p.Leu971= (NM_016434.4); c.2983C>T, p.Leu995= (NM_032957.5).
Identifiers: ClinVar variation 1108358 (VCV001108358.10), dbSNP rs2090805113, ClinGen allele CA511661349.

ClinVar aggregate classification (germline): Conflicting classifications of pathogenicity. Review status: criteria provided, conflicting classifications (1 of 4 stars). 2 submissions from 2 submitters: Uncertain significance (1); Likely benign (1). Last evaluated 2025-07-30.

Conditions:
Dyskeratosis congenita, autosomal recessive 5 (DKCB5). Identifiers: MedGen C3554656, MONDO:0014076, OMIM 615190.
Pulmonary fibrosis and/or bone marrow failure, Telomere-related, 3. Also called: PULMONARY FIBROSIS AND/OR BONE MARROW FAILURE SYNDROME, TELOMERE-RELATED, 3. Identifiers: Orphanet 2032, MedGen C4225346, MONDO:0014613, OMIM 616373.

Allele frequency attached by ClinVar (database versions not stated): gnomAD 0.00001; gnomAD exomes 0.00001; TOPMed below 0.00001.
gnomAD v4.1: 13 of 1,612,048 alleles (0.00081%); highest among the groups gnomAD compares: African/African-American, 0.0013%; no homozygotes.

Submissions (2):

Labcorp Genetics (formerly Invitae), Labcorp
Classification: Likely benign for Dyskeratosis congenita, autosomal recessive 5; Pulmonary fibrosis and/or bone marrow failure, Telomere-related, 3. Last evaluated: 2025-07-30. Review status: criteria provided, single submitter. Criteria: Invitae Variant Classification Sherloc (09022015). Collection method: clinical testing. Allele origin: germline.

GeneDx
Classification: Uncertain significance. Last evaluated: 2023-06-15. Review status: criteria provided, single submitter. Criteria: GeneDx Variant Classification Process June 2021. Collection method: clinical testing. Allele origin: germline. Affected: yes.
Comment: Not observed at significant frequency in large population cohorts (gnomAD); Has not been previously published as pathogenic or benign to our knowledge; In silico analysis suggests this variant may impact gene splicing. In the absence of RNA/functional studies, the actual effect of this sequence change is unknown